The following is an entry in ClinVar:

NM_000166.6(GJB1):c.14G>T (p.Gly5Val)

Gene: GJB1 (gap junction protein beta 1; plus strand). Cytogenetic location: Xq13.1.
Variant type: single nucleotide variant.
Coding change: c.14G>T on transcript NM_000166.6 (MANE Select); coding-DNA position 14, G replaced by T.
Protein change: p.Gly5Val; replaces glycine 5 with valine.
Molecular consequence: missense variant.
Genome position (GRCh38, 1-based): chrX:71,223,721, G>T. VCF-style: chrX-71223721-G-T. GRCh37 (hg19) VCF-style: chrX-70443571-G-T.
Other names: c.14G>T, p.Gly5Val (NM_001097642.3); short protein forms G5V.
Identifiers: ClinVar variation 418234 (VCV000418234.16), dbSNP rs1064793139, ClinGen allele CA16621491.

ClinVar aggregate classification (germline): Conflicting classifications of pathogenicity. Review status: criteria provided, conflicting classifications (1 of 4 stars). 5 submissions from 5 submitters: Uncertain significance (2); Likely benign (1). 2 of the submissions do not count toward it. Last evaluated 2026-09-11.

Conditions:
Charcot-Marie-Tooth disease. Also called: Charcot-Marie-Tooth Neuropathy; Charcot-Marie-Tooth Hereditary Neuropathy. Identifiers: Orphanet 166, MedGen C0007959, MONDO:0015626.
Charcot-Marie-Tooth Neuropathy X. Identifiers: MedGen CN118851.
Inborn genetic diseases. Identifiers: MedGen C0950123, MeSH D030342.

Allele frequency attached by ClinVar (database versions not stated): TOPMed below 0.00001; gnomAD exomes 0.00002 and 0.00001.
gnomAD v4.1: 18 of 1,210,958 alleles (0.0015%); highest among the groups gnomAD compares: Non-Finnish European, 0.002%; no homozygotes.

Submissions (5):

Ambry Genetics
Classification: Uncertain significance for Inborn genetic diseases. Last evaluated: 2026-09-11. Review status: criteria provided, single submitter. Criteria: Ambry Variant Classification Scheme 2023. Collection method: clinical testing. Allele origin: germline.
Comment: The c.14G>T (p.G5V) alteration is located in exon 2 (coding exon 1) of the GJB1 gene. This alteration results from a G to T substitution at nucleotide position 14, causing the glycine (G) at amino acid position 5 to be replaced by a valine (V). Based on data from gnomAD, the T allele has an overall frequency of <0.001% (1/182125) total alleles studied. The highest observed frequency was 0.001% (1/80966) of European (non-Finnish) alleles. Based on insufficient or conflicting evidence, the clinical significance of this alteration remains unclear.

Labcorp Genetics (formerly Invitae), Labcorp
Classification: Likely benign for Charcot-Marie-Tooth Neuropathy X. Last evaluated: 2025-05-27. Review status: criteria provided, single submitter. Criteria: Invitae Variant Classification Sherloc (09022015). Collection method: clinical testing. Allele origin: germline.

GeneDx
Classification: Uncertain significance. Last evaluated: 2024-05-10. Review status: criteria provided, single submitter. Criteria: GeneDx Variant Classification Process June 2021. Collection method: clinical testing. Allele origin: germline. Affected: yes.
Comment: Reported in an individual with a mitochondrial respiratory chain disease; however, segregation analysis and additional clinical information were not provided (PMID: 27812541); Not observed at significant frequency in large population cohorts (gnomAD); Missense variants in this gene are a common cause of disease and they are underrepresented in the general population; In silico analysis indicates that this missense variant does not alter protein structure/function; This variant is associated with the following publications: (PMID: 27812541)

Natera, Inc.
Classification: Uncertain significance for Charcot-Marie-Tooth disease. Last evaluated: 2020-09-16. Review status: no assertion criteria provided. Collection method: clinical testing. Allele origin: germline. Not counted in ClinVar's aggregate classification.

Inherited Neuropathy Consortium
Classification: Likely pathogenic for Charcot-Marie-Tooth disease. Review status: no assertion criteria provided. Collection method: research. Allele origin: inherited. Affected: yes. Not counted in ClinVar's aggregate classification.